The following is an entry in ClinVar:

NM_004963.4(GUCY2C):c.1219G>A (p.Val407Met)

Genes: GUCY2C (guanylate cyclase 2C; minus strand), GUCY2C-AS1 (GUCY2C antisense RNA 1; plus strand). Cytogenetic location: 12p12.3.
Variant type: single nucleotide variant.
Coding change: c.1219G>A on transcript NM_004963.4 (MANE Select); coding-DNA position 1219, G replaced by A.
Protein change: p.Val407Met; replaces valine 407 with methionine.
Molecular consequence: missense variant.
Genome position (GRCh38, 1-based): chr12:14,669,785, C>T on the plus strand (G>A on the coding strand, the complement: GUCY2C is on the minus strand). VCF-style: chr12-14669785-C-T. GRCh37 (hg19) VCF-style: chr12-14822719-C-T.
Other names: short protein forms V407M.
Identifiers: ClinVar variation 1917475 (VCV001917475.5), dbSNP rs530209992, ClinGen allele CA233225192.

ClinVar aggregate classification (germline): Uncertain significance (1 of 4 stars; one submission).

gnomAD v4.1: 2 of 1,605,938 alleles (0.00012%); highest among the groups gnomAD compares: Non-Finnish European, 0.00017%; no homozygotes.

Submission:

Labcorp Genetics (formerly Invitae), Labcorp
Classification: Uncertain significance. Last evaluated: 2025-11-12. Review status: criteria provided, single submitter. Criteria: Invitae Variant Classification Sherloc (09022015). Collection method: clinical testing. Allele origin: germline.
Comment: This sequence change replaces valine, which is neutral and non-polar, with methionine, which is neutral and non-polar, at codon 407 of the GUCY2C protein (p.Val407Met). This variant is not present in population databases (gnomAD no frequency). This variant has not been reported in the literature in individuals affected with GUCY2C-related conditions. ClinVar contains an entry for this variant (Variation ID: 1917475). Invitae Evidence Modeling of protein sequence and biophysical properties (such as structural, functional, and spatial information, amino acid conservation, physicochemical variation, residue mobility, and thermodynamic stability) indicates that this missense variant is not expected to disrupt GUCY2C protein function with a negative predictive value of 80%. In summary, the available evidence is currently insufficient to determine the role of this variant in disease. Therefore, it has been classified as a Variant of Uncertain Significance.